The following is an entry in ClinVar:

NM_001374736.1(DST):c.20254G>A (p.Glu6752Lys)

Gene: DST (dystonin; minus strand). Cytogenetic location: 6p12.1.
Variant type: single nucleotide variant.
Coding change: c.20254G>A on transcript NM_001374736.1 (MANE Select); coding-DNA position 20254, G replaced by A.
Protein change: p.Glu6752Lys; replaces glutamic acid 6752 with lysine.
Molecular consequence: missense variant.
Genome position (GRCh38, 1-based): chr6:56,494,150, C>T on the plus strand (G>A on the coding strand, the complement: DST is on the minus strand). VCF-style: chr6-56494150-C-T. GRCh37 (hg19) VCF-style: chr6-56358948-C-T.
Other names: c.13897G>A, p.Glu4633Lys (NM_001144769.5); c.13483G>A, p.Glu4495Lys (NM_001144770.2); c.20254G>A, p.Glu6752Lys (NM_001374722.1); c.19294G>A, p.Glu6432Lys (NM_001374729.1); c.13036G>A, p.Glu4346Lys (NM_001374730.1); c.20281G>A, p.Glu6761Lys (NM_001374734.1); c.13363G>A, p.Glu4455Lys (NM_001386100.1, NM_183380.4); c.12385G>A, p.Glu4129Lys (NM_015548.5); short protein forms E4129K, E4346K, E4455K, E4495K, E4633K, E6432K, E6752K, E6761K.
Identifiers: ClinVar variation 4881194 (VCV004881194.2).

ClinVar aggregate classification (germline): Uncertain significance (1 of 4 stars; one submission).

Conditions:
Hereditary sensory and autonomic neuropathy type 6. Also called: HSAN VI; Neuropathy, hereditary sensory and autonomic, type VI. Identifiers: Orphanet 314381, MedGen C3539003, MONDO:0013839, OMIM 614653.

gnomAD v4.1: 4 of 1,605,114 alleles (0.00025%); highest among the groups gnomAD compares: Admixed American, 0.0033%; no homozygotes.

Submission:

Dasa
Classification: Uncertain significance for Hereditary sensory and autonomic neuropathy type 6. Last evaluated: 2026-01-07. Review status: criteria provided, single submitter. Criteria: DASA Assertion Criteria. Collection method: clinical testing. Allele origin: germline.
Comment: NM_001374736.1(DST):c.20254G>A (p.Glu6752Lys) is a missense variant that results in the substitution of glutamic acid with lysine. This variant is rare in population databases. The currently available literature and clinical evidence are not sufficient to establish a definitive association between this variant and the reported condition. Therefore, this variant is classified as a variant of uncertain significance.